The following is an entry in ClinVar:

NM_001370298.3(FGD4):c.1073_1074dup (p.Val359fs)

Gene: FGD4 (FYVE, RhoGEF and PH domain containing 4; plus strand). Cytogenetic location: 12p11.21.
Variant type: Duplication.
Coding change: c.1073_1074dup on transcript NM_001370298.3 (MANE Select); coding-DNA positions 1073 to 1074, 2 bases duplicated (AT; older notation c.1073_1074dupAT).
Protein change: p.Val359fs; shifts the reading frame from valine 359.
Molecular consequence: frameshift variant. On other transcripts: 5 prime UTR variant (2).
Genome position (GRCh38, 1-based): chr12:32,598,558-32,598,559, AT duplicated; duplicating any 2 consecutive bases within chr12:32,598,557-32,598,559 gives the same sequence; the c. name uses the placement nearest the transcript's 3' end. VCF-style (leftmost placement, unchanged base first): chr12-32598556-T-TTA. GRCh37 (hg19) VCF-style: chr12-32751490-T-TTA.
Other names: c.662_663dup, p.Val222fs (NM_001385118.1, NM_139241.3, NM_001384127.1 and 1 more transcripts); c.917_918dup, p.Val307fs (NM_001304481.2); c.-183_-182dup (NM_001304483.2); c.-490_-489dup (NM_001304484.2); c.383_384dup, p.Val129fs (NM_001330373.2, NM_001330374.2, NM_001384130.1); c.110_111dup, p.Val38fs (NM_001370297.1); c.1073_1074dup, p.Val359fs (NM_001384126.1); short protein forms V38fs, V129fs, V307fs, V222fs, V359fs.
Identifiers: ClinVar variation 3696808 (VCV003696808.2).

ClinVar aggregate classification (germline): Pathogenic (1 of 4 stars; one submission).

Conditions:
Charcot-Marie-Tooth disease type 4. Also called: Charcot-Marie-Tooth, Type 4; Charcot-Marie-Tooth disease, type IV. Identifiers: Orphanet 64749, MedGen C4082197, MONDO:0018995.

Submission:

Labcorp Genetics (formerly Invitae), Labcorp
Classification: Pathogenic for Charcot-Marie-Tooth disease type 4. Last evaluated: 2024-11-12. Review status: criteria provided, single submitter. Criteria: Invitae Variant Classification Sherloc (09022015). Collection method: clinical testing. Allele origin: germline.
Comment: This sequence change creates a premature translational stop signal (p.Val222Metfs*8) in the FGD4 gene. It is expected to result in an absent or disrupted protein product. Loss-of-function variants in FGD4 are known to be pathogenic (PMID: 17564972). This variant is not present in population databases (gnomAD no frequency). This variant has not been reported in the literature in individuals affected with FGD4-related conditions. For these reasons, this variant has been classified as Pathogenic.

Literature cited by the submitters: PubMed 17564972.